The following is an entry in ClinVar:

NM_000051.4(ATM):c.4114T>C (p.Leu1372=)

Gene: ATM (ATM serine/threonine kinase; plus strand). Cytogenetic location: 11q22.3.
Variant type: single nucleotide variant.
Coding change: c.4114T>C on transcript NM_000051.4 (MANE Select); coding-DNA position 4114, T replaced by C.
Protein change: p.Leu1372=; no amino-acid change (leucine 1372 retained).
Molecular consequence: synonymous variant.
Genome position (GRCh38, 1-based): chr11:108,288,981, T>C. VCF-style: chr11-108288981-T-C. GRCh37 (hg19) VCF-style: chr11-108159708-T-C.
Other names: c.4114T>C, p.Leu1372= (NM_001351834.2).
Identifiers: ClinVar variation 414580 (VCV000414580.16), dbSNP rs762242838, ClinGen allele CA6265406.

ClinVar aggregate classification (germline): Conflicting classifications of pathogenicity. Review status: criteria provided, conflicting classifications (1 of 4 stars). 5 submissions from 5 submitters: Uncertain significance (1); Benign (1); Likely benign (3). Last evaluated 2025-11-07.

Conditions:
Hereditary cancer-predisposing syndrome. Also called: Tumor predisposition; Neoplastic Syndromes, Hereditary; Hereditary Cancer Syndrome; Hereditary neoplastic syndrome. Identifiers: Orphanet 140162, MedGen C0027672, MeSH D009386, MONDO:0015356.
Familial cancer of breast. Also called: Hereditary breast cancer; BREAST CANCER, FAMILIAL; hereditary breast carcinoma. Identifiers: Orphanet 227535, MedGen C0346153, MONDO:0016419, OMIM 114480. Disease mechanism: loss of function.
Ataxia-telangiectasia syndrome (AT). Also called: Ataxia-telangiectasia; Cerebello-oculocutaneous telangiectasia; Immunodeficiency with ataxia telangiectasia; ATAXIA-TELANGIECTASIA, COMPLEMENTATION GROUP A; ATAXIA-TELANGIECTASIA, FRESNO VARIANT; Ataxia-telangiectasia, complementation group D. Identifiers: Orphanet 100, MedGen C0004135, MONDO:0008840, OMIM 208900.

Allele frequency attached by ClinVar (database versions not stated): gnomAD exomes below 0.00001; TOPMed below 0.00001; ExAC 0.00001; gnomAD 0.00001.
gnomAD v4.1: 2 of 1,613,534 alleles (0.00012%); highest among the groups gnomAD compares: Non-Finnish European, 0.00017%; no homozygotes.

Submissions (5):

Quest Diagnostics Nichols Institute San Juan Capistrano
Classification: Uncertain significance. Last evaluated: 2025-11-07. Review status: criteria provided, single submitter. Criteria: Quest Diagnostics criteria. Collection method: clinical testing. Allele origin: unknown.

Labcorp Genetics (formerly Invitae), Labcorp
Classification: Likely benign for Ataxia-telangiectasia syndrome. Last evaluated: 2025-04-17. Review status: criteria provided, single submitter. Criteria: Invitae Variant Classification Sherloc (09022015). Collection method: clinical testing. Allele origin: germline.

Myriad Genetics, Inc.
Classification: Benign for Familial cancer of breast. Last evaluated: 2024-05-16. Review status: criteria provided, single submitter. Criteria: Myriad Autosomal Dominant, Autosomal Recessive and X-Linked Classification Criteria (2023). Collection method: clinical testing. Allele origin: unknown.
Comment: This variant is considered benign. This variant is a silent/synonymous amino acid change and it is not expected to impact splicing.

Color Diagnostics, LLC DBA Color Health
Classification: Likely benign for Hereditary cancer-predisposing syndrome. Last evaluated: 2023-03-18. Review status: criteria provided, single submitter. Criteria: ACMG Guidelines, 2015. Collection method: clinical testing. Allele origin: germline.

Ambry Genetics
Classification: Likely benign for Hereditary cancer-predisposing syndrome. Last evaluated: 2019-08-15. Review status: criteria provided, single submitter. Criteria: Ambry Variant Classification Scheme 2023. Collection method: clinical testing. Allele origin: germline.